The following is an entry in ClinVar:

ClinVar aggregate classification (germline): Uncertain significance (1 of 4 stars; one submission).

Conditions:
Emery-Dreifuss muscular dystrophy 4, autosomal dominant (EDMD4). Also called: EMERY-DREIFUSS MUSCULAR DYSTROPHY 4 WITH VARIABLE FEATURES. Identifiers: Orphanet 261, MedGen C2751807, MONDO:0013071, OMIM 612998.
Autosomal recessive ataxia, Beauce type. Also called: Spinocerebellar ataxia, autosomal recessive 8; ATAXIA, RECESSIVE, OF BEAUCE; SYNE1-Related Autosomal Recessive Cerebellar Ataxia; SYNE1 Deficiency. Identifiers: Orphanet 88644, MedGen C1853116, MONDO:0012549, OMIM 610743.

Allele frequency attached by ClinVar (database versions not stated): gnomAD 0.00001.
gnomAD v4.1: 4 of 1,613,972 alleles (0.00025%); highest among the groups gnomAD compares: Non-Finnish European, 0.00025%; no homozygotes.

Submission:

Labcorp Genetics (formerly Invitae), Labcorp
Classification: Uncertain significance for Emery-Dreifuss muscular dystrophy 4, autosomal dominant; Autosomal recessive ataxia, Beauce type. Last evaluated: 2022-07-25. Review status: criteria provided, single submitter. Criteria: Invitae Variant Classification Sherloc (09022015). Collection method: clinical testing. Allele origin: germline.
Comment: This sequence change replaces arginine, which is basic and polar, with threonine, which is neutral and polar, at codon 1084 of the SYNE1 protein (p.Arg1084Thr). This variant is not present in population databases (gnomAD no frequency). This variant has not been reported in the literature in individuals affected with SYNE1-related conditions. Algorithms developed to predict the effect of missense changes on protein structure and function are either unavailable or do not agree on the potential impact of this missense change (SIFT: "Deleterious"; PolyPhen-2: "Probably Damaging"; Align-GVGD: "Class C0"). Algorithms developed to predict the effect of sequence changes on RNA splicing suggest that this variant may disrupt the consensus splice site. In summary, the available evidence is currently insufficient to determine the role of this variant in disease. Therefore, it has been classified as a Variant of Uncertain Significance.

NM_182961.4(SYNE1):c.3230G>C (p.Arg1077Thr)

Gene: SYNE1 (spectrin repeat containing nuclear envelope protein 1; minus strand). Cytogenetic location: 6q25.2.
Variant type: single nucleotide variant.
Coding change: c.3230G>C on transcript NM_182961.4 (MANE Select); coding-DNA position 3230, G replaced by C.
Protein change: p.Arg1077Thr; replaces arginine 1077 with threonine.
Molecular consequence: missense variant.
Genome position (GRCh38, 1-based): chr6:152,450,790, C>G on the plus strand (G>C on the coding strand, the complement: SYNE1 is on the minus strand). VCF-style: chr6-152450790-C-G. GRCh37 (hg19) VCF-style: chr6-152771925-C-G.
Other names: c.3251G>C, p.Arg1084Thr (NM_033071.5); short protein forms R1077T, R1084T.
Identifiers: ClinVar variation 2170872 (VCV002170872.1), dbSNP rs2098641464, ClinGen allele CA366149892.